The following is an entry in ClinVar:

ClinVar aggregate classification (germline): Benign (0 of 4 stars; one submission).

Conditions:
TRAPPC6A-related disorder. Also called: TRAPPC6A-related condition.

Allele frequency attached by ClinVar (database versions not stated): TOPMed 0.01340; 1000 Genomes Project 0.01358; 1000 Genomes Project 30x 0.01359; ESP Exome Variant Server 0.01430.

Submission:

PreventionGenetics, part of Exact Sciences
Classification: Benign for TRAPPC6A-related condition. Last evaluated: 2019-05-08. Review status: no assertion criteria provided. Collection method: clinical testing. Allele origin: germline.
Comment: This variant is classified as benign based on ACMG/AMP sequence variant interpretation guidelines (Richards et al. 2015 PMID: 25741868, with internal and published modifications).

NM_001270891.2(TRAPPC6A):c.*10G>A

Gene: TRAPPC6A (trafficking protein particle complex subunit 6A; minus strand). Cytogenetic location: 19q13.32.
Variant type: single nucleotide variant.
Coding change: c.*10G>A on transcript NM_001270891.2 (MANE Select); 10 bases downstream of the stop codon, G replaced by A.
Molecular consequence: 3 prime UTR variant.
Genome position (GRCh38, 1-based): chr19:45,163,182, C>T on the plus strand (G>A on the coding strand, the complement: TRAPPC6A is on the minus strand). VCF-style: chr19-45163182-C-T. GRCh37 (hg19) VCF-style: chr19-45666440-C-T.
Other names: c.*80G>A (NM_001270892.2, NM_001270893.2); c.*10G>A (NM_024108.3).
Identifiers: ClinVar variation 3038422 (VCV003038422.2), dbSNP rs114585414, ClinGen allele CA9509903.
Genomic context (GRCh38, chr19:45,163,182, plus strand): 5'-GCGGCCCCACCGTCTCCTGAGGCCGGTGAGGCCAGGGGCAGCAGTGCGGCTCAGCAGGTG[C>T]GAGGCAGGCTTAGGATTTCGGAATCACCACCTGGAACTTACCTGGAAGAGAAGGCCTGGC-3'